The following is an entry in ClinVar:

ClinVar aggregate classification (germline): Uncertain significance (1 of 4 stars; one submission).

Submission:

Women's Health and Genetics/Laboratory Corporation of America, LabCorp
Classification: Uncertain significance. Last evaluated: 2025-06-30. Review status: criteria provided, single submitter. Criteria: LabCorp Variant Classification Summary - May 2015. Collection method: clinical testing. Allele origin: germline.
Comment: Variant summary: MAT1A c.547C>G (p.Gln183Glu) results in a conservative amino acid change in the encoded protein sequence. Algorithms developed to predict the effect of missense changes on protein structure and function are either unavailable or do not agree on the potential impact of this missense change. Consensus agreement among computation tools predict no significant impact on normal splicing. However, these predictions have yet to be confirmed by functional studies. The variant was absent in 251260 control chromosomes (gnomAD). The available data on variant occurrences in the general population are insufficient to allow any conclusion about variant significance. c.547C>G has been observed in one individual affected with Hepatic methionine adenosyltransferase deficiency (Tong_2022). These report(s) do not provide unequivocal conclusions about association of the variant with Hepatic methionine adenosyltransferase deficiency. To our knowledge, no experimental evidence demonstrating an impact on protein function has been reported. The following publication have been ascertained in the context of this evaluation (PMID: 36704196). No submitters have cited clinical-significance assessments for this variant to ClinVar. Based on the evidence outlined above, the variant was classified as uncertain significance.

Literature cited by the submitters: PubMed 36704196.

NM_000429.3(MAT1A):c.547C>G (p.Gln183Glu)

Gene: MAT1A (methionine adenosyltransferase 1A; minus strand). Cytogenetic location: 10q22.3.
Variant type: single nucleotide variant.
Coding change: c.547C>G on transcript NM_000429.3 (MANE Select); coding-DNA position 547, C replaced by G.
Protein change: p.Gln183Glu; replaces glutamine 183 with glutamic acid.
Molecular consequence: missense variant.
Genome position (GRCh38, 1-based): chr10:80,280,175, G>C on the plus strand (C>G on the coding strand, the complement: MAT1A is on the minus strand). VCF-style: chr10-80280175-G-C. GRCh37 (hg19) VCF-style: chr10-82039931-G-C.
Other names: short protein forms Q183E.
Identifiers: ClinVar variation 3907258 (VCV003907258.1).